The following is an entry in ClinVar:

ClinVar aggregate classification (germline): Uncertain significance. Review status: criteria provided, multiple submitters, no conflicts (2 of 4 stars). 2 submissions from 2 submitters: Uncertain significance (2). Last evaluated 2026-01-22.

Conditions:
Inborn genetic diseases. Identifiers: MedGen C0950123, MeSH D030342.
Bethlem myopathy 1A. Also called: MYOPATHY, BENIGN CONGENITAL, WITH CONTRACTURES; Bethlem myopathy 1; Bethlem Muscular Dystrophy. Identifiers: Orphanet 610, MedGen CN029274, MONDO:0024530, OMIM 158810.

Allele frequency attached by ClinVar (database versions not stated): TOPMed 0.00001; ExAC 0.00002; gnomAD 0.00003.

Submissions (2):

Labcorp Genetics (formerly Invitae), Labcorp
Classification: Uncertain significance for Bethlem myopathy 1A. Last evaluated: 2026-01-22. Review status: criteria provided, single submitter. Criteria: Invitae Variant Classification Sherloc (09022015). Collection method: clinical testing. Allele origin: germline.
Comment: This sequence change replaces glutamic acid, which is acidic and polar, with lysine, which is basic and polar, at codon 241 of the COL6A2 protein (p.Glu241Lys). This variant is present in population databases (rs751128921, gnomAD 0.008%). This variant has not been reported in the literature in individuals affected with COL6A2-related conditions. ClinVar contains an entry for this variant (Variation ID: 2702544). Invitae Evidence Modeling of protein sequence and biophysical properties (such as structural, functional, and spatial information, amino acid conservation, physicochemical variation, residue mobility, and thermodynamic stability) indicates that this missense variant is not expected to disrupt COL6A2 protein function with a negative predictive value of 80%. In summary, the available evidence is currently insufficient to determine the role of this variant in disease. Therefore, it has been classified as a Variant of Uncertain Significance.

Ambry Genetics
Classification: Uncertain significance for Inborn genetic diseases. Last evaluated: 2025-05-21. Review status: criteria provided, single submitter. Criteria: Ambry Variant Classification Scheme 2023. Collection method: clinical testing. Allele origin: germline.

NM_001849.4(COL6A2):c.721G>A (p.Glu241Lys)

Gene: COL6A2 (collagen type VI alpha 2 chain; plus strand). Cytogenetic location: 21q22.3.
Variant type: single nucleotide variant.
Coding change: c.721G>A on transcript NM_001849.4 (MANE Select); coding-DNA position 721, G replaced by A.
Protein change: p.Glu241Lys; replaces glutamic acid 241 with lysine.
Molecular consequence: missense variant.
Genome position (GRCh38, 1-based): chr21:46,112,810, G>A. VCF-style: chr21-46112810-G-A. GRCh37 (hg19) VCF-style: chr21-47532724-G-A.
Other names: c.721G>A, p.Glu241Lys (NM_058174.3, NM_058175.3); short protein forms E241K.
Identifiers: ClinVar variation 2702544 (VCV002702544.4), dbSNP rs751128921, ClinGen allele CA10071417.